The following is an entry in ClinVar:

NM_006346.4(PIBF1):c.1965-4del

Gene: PIBF1 (progesterone immunomodulatory binding factor 1; plus strand). Cytogenetic location: 13q22.1.
Variant type: Deletion.
Coding change: c.1965-4del on transcript NM_006346.4 (MANE Select); 4 bases into the intron before coding-DNA position 1965, one base deleted (T; older notation c.1965-4delT).
Molecular consequence: intron variant.
Genome position (GRCh38, 1-based): chr13:72,973,587, T deleted; the last of 10 consecutive T bases (chr13:72,973,578-72,973,587); deleting any one gives the same sequence. VCF-style (leftmost placement, unchanged base first): chr13-72973577-GT-G. GRCh37 (hg19) VCF-style: chr13-73547715-GT-G.
Other names: NC_000013.10:g.73547725del; c.2052-4del (NM_001349655.2).
Identifiers: ClinVar variation 4284386 (VCV004284386.3).

ClinVar aggregate classification (germline): Uncertain significance (1 of 4 stars; one submission).

Submissions (6):

Dasa
Classification: Uncertain significance. Last evaluated: 2025-05-31. Review status: criteria provided, single submitter. Criteria: DASA Assertion Criteria. Collection method: clinical testing. Allele origin: germline.
Comment: NM_006346.4(PIBF1):c.1965-4del is a splice-region variant. This variant has been observed in affected individuals with PIBF1-related disorders. Also, this variant is rare in population databases. Computational prediction algorithms are consistent with a benign effect. The currently available literature and clinical evidence are not sufficient to establish a definitive association between this variant and the reported condition. Therefore, this variant is classified as a variant of uncertain significance.

Dr. Peter K. Rogan Lab, Western University
No classification provided (evidence only). Condition: Cholangiocarcinoma. Review status: no classification provided. Collection method: in vitro. Allele origin: not applicable. Functional consequence: skipped exon. Not counted in ClinVar's aggregate classification.

Dr. Peter K. Rogan Lab, Western University
No classification provided (evidence only). Condition: Malignant lymphoma, large B-cell, diffuse. Review status: no classification provided. Collection method: in vitro. Allele origin: not applicable. Functional consequence: retained intron. Not counted in ClinVar's aggregate classification.

Dr. Peter K. Rogan Lab, Western University
No classification provided (evidence only). Condition: Gastric cancer. Review status: no classification provided. Collection method: in vitro. Allele origin: not applicable. Functional consequence: retained intron. Not counted in ClinVar's aggregate classification.

Dr. Peter K. Rogan Lab, Western University
No classification provided (evidence only). Condition: Gastric cancer. Review status: no classification provided. Collection method: in vitro. Allele origin: not applicable. Functional consequence: retained intron. Not counted in ClinVar's aggregate classification.

Dr. Peter K. Rogan Lab, Western University
No classification provided (evidence only). Condition: Gastric cancer. Review status: no classification provided. Collection method: in vitro. Allele origin: not applicable. Functional consequence: retained intron. Not counted in ClinVar's aggregate classification.